The following is an entry in ClinVar:

ClinVar aggregate classification (germline): Pathogenic (1 of 4 stars; one submission).

Conditions:
Factor H deficiency (CFHD). Also called: COMPLEMENT FACTOR H DEFICIENCY; CFH DEFICIENCY. Identifiers: Orphanet 200421, MedGen C0398777, MONDO:0012350, OMIM 609814.

Submission:

Genomenon, Inc
Classification: Pathogenic for Factor H deficiency. Last evaluated: 2026-09-17. Review status: criteria provided, single submitter. Criteria: Genomenon Sequence Variant Interpretation Standards - Updated. Collection method: curation. Allele origin: germline. Affected: yes.
Comment: CFH c.965-1G>A is a canonical splice variant affecting the acceptor splice site of intron 7. It is predicted to affect mRNA splicing, leading to a deleterious effect on the CFH protein. This variant has been observed in at least one proband affected with complement factor H deficiency (PMID: 38041748). It is absent or not present at a significant frequency in gnomAD. In conclusion, we classify CFH c.965-1G>A as a pathogenic variant.

Literature cited by the submitters: PubMed 38041748.

NM_000186.4(CFH):c.965-1G>A

Gene: CFH (complement factor H; plus strand). Cytogenetic location: 1q31.3.
Variant type: single nucleotide variant.
Coding change: c.965-1G>A on transcript NM_000186.4 (MANE Select); the canonical splice acceptor site of the intron before coding-DNA position 965, G replaced by A.
Molecular consequence: splice acceptor variant.
Genome position (GRCh38, 1-based): chr1:196,689,419, G>A. VCF-style: chr1-196689419-G-A. GRCh37 (hg19) VCF-style: chr1-196658549-G-A.
Other names: c.965-1G>A (NM_001014975.3).
Identifiers: ClinVar variation 4291338 (VCV004291338.2).